The following is an entry in ClinVar:

NM_001371623.1(TCOF1):c.961G>A (p.Gly321Arg)

Gene: TCOF1 (treacle ribosome biogenesis factor 1; plus strand). Cytogenetic location: 5q32.
Variant type: single nucleotide variant.
Coding change: c.961G>A on transcript NM_001371623.1 (MANE Select); coding-DNA position 961, G replaced by A.
Protein change: p.Gly321Arg; replaces glycine 321 with arginine.
Molecular consequence: missense variant.
Genome position (GRCh38, 1-based): chr5:150,374,264, G>A. VCF-style: chr5-150374264-G-A. GRCh37 (hg19) VCF-style: chr5-149753827-G-A.
Other names: c.730G>A, p.Gly244Arg (NM_000356.4, NM_001135245.2); c.961G>A, p.Gly321Arg (NM_001008657.3, NM_001135243.2, NM_001135244.2 and 1 more transcripts); short protein forms G244R, G321R.
Identifiers: ClinVar variation 741146 (VCV000741146.12), dbSNP rs146307766, ClinGen allele CA3510707.

ClinVar aggregate classification (germline): Conflicting classifications of pathogenicity. Review status: criteria provided, conflicting classifications (1 of 4 stars). 4 submissions from 4 submitters: Uncertain significance (1); Benign (1); Likely benign (2). Last evaluated 2026-05-26.

Conditions:
Treacher Collins syndrome 1 (TCS1). Also called: TCOF1-Related Treacher Collins Syndrome. Identifiers: Orphanet 861, MedGen CN315775, MONDO:0007944, OMIM 154500.
TCOF1-related disorder. Also called: TCOF1-related condition.
Inborn genetic diseases. Identifiers: MedGen C0950123, MeSH D030342.

Allele frequency attached by ClinVar (database versions not stated): gnomAD exomes 0.00006; ExAC 0.00013; gnomAD 0.00024; ESP Exome Variant Server 0.00031; TOPMed 0.00034; 1000 Genomes Project 0.00040; 1000 Genomes Project 30x 0.00062.
gnomAD v4.1: 79 of 1,604,632 alleles (0.0049%); highest among the groups gnomAD compares: African/African-American, 0.099%; no homozygotes.

Submissions (4):

PreventionGenetics, part of Exact Sciences
Classification: Likely benign for TCOF1-related condition. Last evaluated: 2026-05-26. Review status: criteria provided, single submitter. Criteria: ACMG Guidelines, 2015. Collection method: clinical testing. Allele origin: germline.
Comment: This variant is classified as likely benign based on ACMG/AMP sequence variant interpretation guidelines (Richards et al. 2015 PMID: 25741868, with internal and published modifications).

Ambry Genetics
Classification: Uncertain significance for Inborn genetic diseases. Last evaluated: 2021-07-26. Review status: criteria provided, single submitter. Criteria: Ambry Variant Classification Scheme 2023. Collection method: clinical testing. Allele origin: germline.

Labcorp Genetics (formerly Invitae), Labcorp
Classification: Likely benign for Treacher Collins syndrome 1. Last evaluated: 2021-03-18. Review status: criteria provided, single submitter. Criteria: Invitae Variant Classification Sherloc (09022015). Collection method: clinical testing. Allele origin: germline.

GeneDx
Classification: Benign. Last evaluated: 2020-03-04. Review status: criteria provided, single submitter. Criteria: GeneDx Variant Classification Process June 2021. Collection method: clinical testing. Allele origin: germline. Affected: yes.